The following is an entry in ClinVar:

NM_007055.4(POLR3A):c.2926G>A (p.Val976Ile)

Gene: POLR3A (RNA polymerase III subunit A; minus strand). Cytogenetic location: 10q22.3.
Variant type: single nucleotide variant.
Coding change: c.2926G>A on transcript NM_007055.4 (MANE Select); coding-DNA position 2926, G replaced by A.
Protein change: p.Val976Ile; replaces valine 976 with isoleucine.
Molecular consequence: missense variant.
Genome position (GRCh38, 1-based): chr10:77,986,135, C>T on the plus strand (G>A on the coding strand, the complement: POLR3A is on the minus strand). VCF-style: chr10-77986135-C-T. GRCh37 (hg19) VCF-style: chr10-79745893-C-T.
Other names: short protein forms V976I.
Identifiers: ClinVar variation 1419325 (VCV001419325.5), dbSNP rs936203460, ClinGen allele CA210191459.

ClinVar aggregate classification (germline): Uncertain significance (1 of 4 stars; one submission).

Allele frequency attached by ClinVar (database versions not stated): gnomAD 0.00001; TOPMed 0.00002.
gnomAD v4.1: 5 of 1,577,274 alleles (0.00032%); highest among the groups gnomAD compares: Non-Finnish European, 0.00044%; no homozygotes.

Submission:

Labcorp Genetics (formerly Invitae), Labcorp
Classification: Uncertain significance. Last evaluated: 2022-10-17. Review status: criteria provided, single submitter. Criteria: Invitae Variant Classification Sherloc (09022015). Collection method: clinical testing. Allele origin: germline.
Comment: This variant has not been reported in the literature in individuals affected with POLR3A-related conditions. This variant is present in population databases (no rsID available, gnomAD 0.007%). ClinVar contains an entry for this variant (Variation ID: 1419325). This sequence change replaces valine, which is neutral and non-polar, with isoleucine, which is neutral and non-polar, at codon 976 of the POLR3A protein (p.Val976Ile). In summary, the available evidence is currently insufficient to determine the role of this variant in disease. Therefore, it has been classified as a Variant of Uncertain Significance. Advanced modeling of protein sequence and biophysical properties (such as structural, functional, and spatial information, amino acid conservation, physicochemical variation, residue mobility, and thermodynamic stability) performed at Invitae indicates that this missense variant is not expected to disrupt POLR3A protein function.